The following is an entry in ClinVar:

ClinVar aggregate classification (germline): Uncertain significance. Review status: criteria provided, multiple submitters, no conflicts (2 of 4 stars). 2 submissions from 2 submitters: Uncertain significance (2). Last evaluated 2026-01-28.

Conditions:
Hereditary cancer-predisposing syndrome. Also called: Hereditary neoplastic syndrome; Tumor predisposition; Neoplastic Syndromes, Hereditary; Hereditary Cancer Syndrome. Identifiers: Orphanet 140162, MedGen C0027672, MeSH D009386, MONDO:0015356.

Submissions (2):

Ambry Genetics
Classification: Uncertain significance for Hereditary cancer-predisposing syndrome. Last evaluated: 2026-01-28. Review status: criteria provided, single submitter. Criteria: Ambry Variant Classification Scheme 2023. Collection method: clinical testing. Allele origin: germline.
Comment: The c.6983_6984delCAinsGT variant, located in coding exon 15 of the APC gene, results from an in-frame deletion of CA and insertion of GT at nucleotide positions 6983 to 6984. This results in the substitution of the serine residue for a cysteine residue at codon 2328, an amino acid with dissimilar properties. This amino acid position is highly conserved in available vertebrate species. In addition, this variant is predicted to be neutral by in silico analysis (Choi Y et al. PLoS ONE. 2012; 7(10):e46688). Based on the available evidence, the clinical significance of this variant remains unclear.

GeneDx
Classification: Uncertain significance. Last evaluated: 2023-11-03. Review status: criteria provided, single submitter. Criteria: GeneDx Variant Classification Process June 2021. Collection method: clinical testing. Allele origin: germline. Affected: yes.
Comment: Not observed at significant frequency in large population cohorts (gnomAD); In silico analysis supports a deleterious effect on protein structure/function; Has not been previously published as pathogenic or benign to our knowledge; This variant is associated with the following publications: (PMID: 18199528)

NM_000038.6(APC):c.6983_6984delinsGT (p.Ser2328Cys)

Gene: APC (APC regulator of Wnt signaling pathway; plus strand). Cytogenetic location: 5q22.2.
Variant type: Indel.
Coding change: c.6983_6984delinsGT on transcript NM_000038.6 (MANE Select); coding-DNA positions 6983 to 6984, CA replaced by GT.
Protein change: p.Ser2328Cys; replaces serine 2328 with cysteine.
Molecular consequence: missense variant. On other transcripts: non-coding transcript variant (2).
Genome position (GRCh38, 1-based): chr5:112,842,577-112,842,578, CA replaced by GT. VCF-style: chr5-112842577-CA-GT. GRCh37 (hg19) VCF-style: chr5-112178274-CA-GT.
Other names: c.6983_6984delinsGT, p.Ser2328Cys (NM_001127510.3, NM_001354895.2, NM_001407450.1); c.6929_6930delinsGT, p.Ser2310Cys (NM_001127511.3); c.7037_7038delinsGT, p.Ser2346Cys (NM_001354896.2, NM_001407447.1, NM_001407448.1 and 1 more transcripts); c.7013_7014delinsGT, p.Ser2338Cys (NM_001354897.2); c.6908_6909delinsGT, p.Ser2303Cys (NM_001354898.2); c.6899_6900delinsGT, p.Ser2300Cys (NM_001354899.2); c.6860_6861delinsGT, p.Ser2287Cys (NM_001354900.2); c.6806_6807delinsGT, p.Ser2269Cys (NM_001354901.2, NM_001407453.1); and 12 more; short protein forms S1944C, S2045C, S2168C, S2199C, S2202C, S2227C, S2237C, S2245C.
Identifiers: ClinVar variation 3363996 (VCV003363996.2).